The following is an entry in ClinVar:

NM_198060.4(NRAP):c.1447A>G (p.Ile483Val)

Gene: NRAP (nebulin related anchoring protein; minus strand). Cytogenetic location: 10q25.3.
Variant type: single nucleotide variant.
Coding change: c.1447A>G on transcript NM_198060.4 (MANE Select); coding-DNA position 1447, A replaced by G.
Protein change: p.Ile483Val; replaces isoleucine 483 with valine.
Molecular consequence: missense variant.
Genome position (GRCh38, 1-based): chr10:113,634,192, T>C on the plus strand (A>G on the coding strand, the complement: NRAP is on the minus strand). VCF-style: chr10-113634192-T-C. GRCh37 (hg19) VCF-style: chr10-115393951-T-C.
Other names: c.1447A>G, p.Ile483Val (NM_001261463.2, NM_001322945.2); c.1342A>G, p.Ile448Val (NM_006175.5); short protein forms I448V, I483V.
Identifiers: ClinVar variation 4986753 (VCV004986753.1).

ClinVar aggregate classification (germline): Uncertain significance (1 of 4 stars; one submission).

Conditions:
NRAP-related disorder. Also called: NRAP-related condition.

gnomAD v4.1: 2 of 1,612,818 alleles (0.00012%); highest among the groups gnomAD compares: Admixed American, 0.0017%; no homozygotes.

Submission:

PreventionGenetics, part of Exact Sciences
Classification: Uncertain significance for NRAP-related condition. Last evaluated: 2026-02-15. Review status: criteria provided, single submitter. Criteria: ACMG Guidelines, 2015. Collection method: clinical testing. Allele origin: germline.
Comment: The NRAP c.1447A>G variant is predicted to result in the amino acid substitution p.Ile483Val. To our knowledge, this variant has not been reported in the literature or in a large population database (gnomAD), indicating this variant is rare. At this time, the clinical significance of this variant is uncertain due to the absence of conclusive functional and genetic evidence.